The following is an entry in ClinVar:

ClinVar aggregate classification (germline): Uncertain significance. Review status: criteria provided, multiple submitters, no conflicts (2 of 4 stars). 3 submissions from 3 submitters: Uncertain significance (3). Last evaluated 2025-08-18.

Allele frequency attached by ClinVar (database versions not stated): gnomAD 0.00004 and 0.00005; ExAC 0.00002; gnomAD exomes 0.00003; TOPMed 0.00003.
gnomAD v4.1: 51 of 1,553,440 alleles (0.0033%); highest among the groups gnomAD compares: Middle Eastern, 0.017%; no homozygotes.

Submissions (3):

Labcorp Genetics (formerly Invitae), Labcorp
Classification: Uncertain significance. Last evaluated: 2025-08-18. Review status: criteria provided, single submitter. Criteria: Invitae Variant Classification Sherloc (09022015). Collection method: clinical testing. Allele origin: germline.
Comment: This sequence change replaces arginine, which is basic and polar, with glutamine, which is neutral and polar, at codon 1841 of the SPTBN2 protein (p.Arg1841Gln). This variant is present in population databases (rs778218574, gnomAD 0.007%). This variant has not been reported in the literature in individuals affected with SPTBN2-related conditions. ClinVar contains an entry for this variant (Variation ID: 448512). Invitae Evidence Modeling of protein sequence and biophysical properties (such as structural, functional, and spatial information, amino acid conservation, physicochemical variation, residue mobility, and thermodynamic stability) indicates that this missense variant is not expected to disrupt SPTBN2 protein function with a negative predictive value of 80%. In summary, the available evidence is currently insufficient to determine the role of this variant in disease. Therefore, it has been classified as a Variant of Uncertain Significance.

GeneDx
Classification: Uncertain significance. Last evaluated: 2024-04-22. Review status: criteria provided, single submitter. Criteria: GeneDx Variant Classification Process June 2021. Collection method: clinical testing. Allele origin: germline. Affected: yes.
Comment: In silico analysis indicates that this missense variant does not alter protein structure/function; Has not been previously published as pathogenic or benign to our knowledge

Athena Diagnostics
Classification: Uncertain significance. Last evaluated: 2020-10-22. Review status: criteria provided, single submitter. Criteria: Athena Diagnostics criteria. Collection method: clinical testing. Allele origin: unknown.

Literature cited by the submitters: PubMed 24958846 (cited by Athena Diagnostics).

NM_006946.4(SPTBN2):c.5522G>A (p.Arg1841Gln)

Gene: SPTBN2 (spectrin beta, non-erythrocytic 2; minus strand). Cytogenetic location: 11q13.2.
Variant type: single nucleotide variant.
Coding change: c.5522G>A on transcript NM_006946.4 (MANE Select); coding-DNA position 5522, G replaced by A.
Protein change: p.Arg1841Gln; replaces arginine 1841 with glutamine.
Molecular consequence: missense variant.
Genome position (GRCh38, 1-based): chr11:66,691,327, C>T on the plus strand (G>A on the coding strand, the complement: SPTBN2 is on the minus strand). VCF-style: chr11-66691327-C-T. GRCh37 (hg19) VCF-style: chr11-66458798-C-T.
Other names: short protein forms R1841Q.
Identifiers: ClinVar variation 448512 (VCV000448512.7), dbSNP rs778218574, ClinGen allele CA6128251.